The following is an entry in ClinVar:

ClinVar aggregate classification (germline): Uncertain significance (1 of 4 stars; one submission).

Conditions:
POLD1-related polyposis and colorectal cancer syndrome (CRCS10). Also called: Colorectal cancer 10; COLORECTAL CANCER, SUSCEPTIBILITY TO, ON CHROMOSOME 19q; Colorectal cancer, susceptibility to, 10. Identifiers: Orphanet 220460, MedGen C2675481, MONDO:0012953, OMIM 612591.

gnomAD v4.1: 2 of 1,566,570 alleles (0.00013%); highest among the groups gnomAD compares: Non-Finnish European, 0.00017%; no homozygotes.

Submission:

Labcorp Genetics (formerly Invitae), Labcorp
Classification: Uncertain significance for POLD1-related polyposis and colorectal cancer syndrome. Last evaluated: 2021-07-09. Review status: criteria provided, single submitter. Criteria: Invitae Variant Classification Sherloc (09022015). Collection method: clinical testing. Allele origin: germline.
Comment: This sequence change replaces valine with leucine at codon 925 of the POLD1 protein (p.Val925Leu). The valine residue is highly conserved and there is a small physicochemical difference between valine and leucine. This variant is not present in population databases (ExAC no frequency). This variant has not been reported in the literature in individuals with POLD1-related conditions. Algorithms developed to predict the effect of missense changes on protein structure and function are either unavailable or do not agree on the potential impact of this missense change (SIFT: "Deleterious"; PolyPhen-2: "Possibly Damaging"; Align-GVGD: "Class C0"). In summary, the available evidence is currently insufficient to determine the role of this variant in disease. Therefore, it has been classified as a Variant of Uncertain Significance.

NM_002691.4(POLD1):c.2773G>T (p.Val925Leu)

Gene: POLD1 (DNA polymerase delta 1, catalytic subunit; plus strand). Cytogenetic location: 19q13.33.
Variant type: single nucleotide variant.
Coding change: c.2773G>T on transcript NM_002691.4 (MANE Select); coding-DNA position 2773, G replaced by T.
Protein change: p.Val925Leu; replaces valine 925 with leucine.
Molecular consequence: missense variant.
Genome position (GRCh38, 1-based): chr19:50,415,779, G>T. VCF-style: chr19-50415779-G-T. GRCh37 (hg19) VCF-style: chr19-50919036-G-T.
Other names: c.2773G>T, p.Val925Leu (NM_001256849.1); c.2851G>T, p.Val951Leu (NM_001308632.1); short protein forms V925L, V951L.
Identifiers: ClinVar variation 1045518 (VCV001045518.8), dbSNP rs746950229, ClinGen allele CA406985982.